The following is an entry in ClinVar:

NM_000350.3(ABCA4):c.262G>A (p.Gly88Arg)

Gene: ABCA4 (ATP binding cassette subfamily A member 4; minus strand). Cytogenetic location: 1p22.1.
Variant type: single nucleotide variant.
Coding change: c.262G>A on transcript NM_000350.3 (MANE Select); coding-DNA position 262, G replaced by A.
Protein change: p.Gly88Arg; replaces glycine 88 with arginine.
Molecular consequence: missense variant.
Genome position (GRCh38, 1-based): chr1:94,111,478, C>T on the plus strand (G>A on the coding strand, the complement: ABCA4 is on the minus strand). VCF-style: chr1-94111478-C-T. GRCh37 (hg19) VCF-style: chr1-94577034-C-T.
Other names: c.262G>A, p.Gly88Arg (NM_001425324.1); short protein forms G88R.
Identifiers: ClinVar variation 4525929 (VCV004525929.2).

ClinVar aggregate classification (germline): Uncertain significance. Review status: criteria provided, multiple submitters, no conflicts (2 of 4 stars). 2 submissions from 2 submitters: Uncertain significance (2). Last evaluated 2025-07-14.

gnomAD v4.1: 1 of 1,614,172 alleles (0.000062%); highest among the groups gnomAD compares: Non-Finnish European, 0.000085%; no homozygotes.

Submissions (2):

Women's Health and Genetics/Laboratory Corporation of America, LabCorp
Classification: Uncertain significance. Last evaluated: 2025-07-14. Review status: criteria provided, single submitter. Criteria: LabCorp Variant Classification Summary - May 2015. Collection method: clinical testing. Allele origin: germline.
Comment: Variant summary: ABCA4 c.262G>A (p.Gly88Arg) results in a non-conservative amino acid change in the encoded protein sequence. Algorithms developed to predict the effect of missense changes on protein structure and function all suggest that this variant is likely to be disruptive. The variant allele was found at a frequency of 4e-06 in 251226 control chromosomes. The available data on variant occurrences in the general population are insufficient to allow any conclusion about variant significance. c.262G>A has been observed in individual(s) affected with Stargardt Disease and releated conditions (Cornelis_2022, Zernant_2017). These data do not allow any conclusion about variant significance. To our knowledge, no experimental evidence demonstrating an impact on protein function has been reported. The following publications have been ascertained in the context of this evaluation (PMID: 35120629, 28446513). No submitters have cited clinical-significance assessments for this variant to ClinVar. Based on the evidence outlined above, the variant was classified as uncertain significance.

Blueprint Genetics
Classification: Uncertain significance. Last evaluated: 2022-07-11. Review status: criteria provided, single submitter. Criteria: ACMG Guidelines, 2015. Collection method: clinical testing. Allele origin: germline.

Literature cited by the submitters: PubMed 28446513 (cited by Women's Health and Genetics/Laboratory Corporation of America, LabCorp); PubMed 35120629 (cited by Women's Health and Genetics/Laboratory Corporation of America, LabCorp).